The following is an entry in ClinVar:

NC_000002.12:g.121530978_121531031del

Genes: CLASP1 (cytoplasmic linker associated protein 1; minus strand), CLASP1-AS1 (CLASP1 antisense RNA 1; plus strand), RNU4ATAC (RNA, U4atac small nuclear; plus strand). Cytogenetic location: 2q14.2.
Variant type: Deletion.
Molecular consequence: intron variant (on NM_001395891.1).
Genome position: GRCh38: chr2:121,530,978-121,531,031. GRCh37 (hg19): chr2:122,288,554-122,288,607.
Other names: c.196-703_196-650del (NM_001142274.2, NM_015282.3, NM_001378003.1 and 5 more transcripts).
Identifiers: ClinVar variation 3722876 (VCV003722876.2).

ClinVar aggregate classification (germline): Uncertain significance (1 of 4 stars; one submission).

Submission:

Labcorp Genetics (formerly Invitae), Labcorp
Classification: Uncertain significance. Last evaluated: 2024-10-13. Review status: criteria provided, single submitter. Criteria: Invitae Variant Classification Sherloc (09022015). Collection method: clinical testing. Allele origin: germline.
Comment: This variant occurs in the RNU4ATAC gene, which encodes an RNA molecule that does not result in a protein product. This variant is not present in population databases (gnomAD no frequency). This variant has not been reported in the literature in individuals affected with RNU4ATAC-related conditions. Experimental studies and prediction algorithms are not available or were not evaluated, and the functional significance of this variant is currently unknown. This variant is located within the Sm protein-binding region of the RNU4ATAC RNA, which is important for small nuclear RNA maturation (PMID: 32628740). A significant number of disease-associated RNU4ATAC variants are found in this region (PMID: 32628740, 30368667). In summary, the available evidence is currently insufficient to determine the role of this variant in disease. Therefore, it has been classified as a Variant of Uncertain Significance.

Literature cited by the submitters: PubMed 32628740; PubMed 30368667.